The following is an entry in ClinVar:

NM_198060.4(NRAP):c.3699T>A (p.Asn1233Lys)

Gene: NRAP (nebulin related anchoring protein; minus strand). Cytogenetic location: 10q25.3.
Variant type: single nucleotide variant.
Coding change: c.3699T>A on transcript NM_198060.4 (MANE Select); coding-DNA position 3699, T replaced by A.
Protein change: p.Asn1233Lys; replaces asparagine 1233 with lysine.
Molecular consequence: missense variant.
Genome position (GRCh38, 1-based): chr10:113,608,417, A>T on the plus strand (T>A on the coding strand, the complement: NRAP is on the minus strand). VCF-style: chr10-113608417-A-T. GRCh37 (hg19) VCF-style: chr10-115368176-A-T.
Other names: c.3699T>A, p.Asn1233Lys (NM_001261463.2); c.3591T>A, p.Asn1197Lys (NM_001322945.2); c.3594T>A, p.Asn1198Lys (NM_006175.5); c.3699T>A (NM_198060.2); short protein forms N1197K, N1198K, N1233K.
Identifiers: ClinVar variation 3895173 (VCV003895173.2), dbSNP rs761964135.

ClinVar aggregate classification (germline): Uncertain significance. Review status: criteria provided, multiple submitters, no conflicts (2 of 4 stars). 2 submissions from 2 submitters: Uncertain significance (2). Last evaluated 2025-08-13.

Conditions:
Cardiovascular phenotype. Identifiers: MedGen CN230736.
Inborn genetic diseases. Identifiers: MedGen C0950123, MeSH D030342.

gnomAD v4.1: 4 of 1,602,348 alleles (0.00025%); highest among the groups gnomAD compares: Middle Eastern, 0.017%; no homozygotes.

Submissions (2):

Ambry Genetics
Classification: Uncertain significance for Inborn genetic diseases. Last evaluated: 2025-08-13. Review status: criteria provided, single submitter. Criteria: Ambry Variant Classification Scheme 2023. Collection method: clinical testing. Allele origin: germline.

Molecular Diagnostic Laboratory for Inherited Cardiovascular Disease, Montreal Heart Institute
Classification: Uncertain significance for Cardiovascular phenotype. Last evaluated: 2025-04-09. Review status: criteria provided, single submitter. Criteria: ACMG Guidelines, 2015. Collection method: clinical testing. Allele origin: germline. Affected: yes.
Comment: PM2